The following is an entry in ClinVar:

NC_000004.11:g.(184622962_184626131)_(184626224_184627959)del

Gene: TRAPPC11 (trafficking protein particle complex subunit 11; plus strand). Cytogenetic location: 4q35.1.
Variant type: Deletion.
Identifiers: ClinVar variation 3769102 (VCV003769102.2).

ClinVar aggregate classification (germline): Pathogenic (1 of 4 stars; one submission).

Conditions:
Autosomal recessive limb-girdle muscular dystrophy type R18 (LGMDR18). Also called: Limb-girdle muscular dystrophy, type 2S; MUSCULAR DYSTROPHY, LIMB-GIRDLE, AUTOSOMAL RECESSIVE 18; Autosomal recessive limb-girdle muscular dystrophy type 2S. Identifiers: Orphanet 369840, MedGen C4517996, MONDO:0014144, OMIM 615356.

Submission:

Women's Health and Genetics/Laboratory Corporation of America, LabCorp
Classification: Pathogenic for Autosomal recessive limb-girdle muscular dystrophy type R18. Last evaluated: 2025-01-30. Review status: criteria provided, single submitter. Criteria: LabCorp Variant Classification Summary - May 2015. Collection method: clinical testing. Allele origin: germline.
Comment: Variant summary: The variant involves the deletion of exon 27 in the TRAPPC11 gene. A presumed nomenclature of c.(2963+1_2964-1)_(3055+1_3056-1)del has been designated for the purposes of this classification. This Copy Number Variant (CNV) is expected to alter the reading frame and predicted to result in a truncation or absence of the encoded protein due to nonsense mediated decay (NMD). The variant was absent in 16120 control chromosomes. To our knowledge, no occurrence of c.(2963+1_2964-1)_(3055+1_3056-1)del in individuals affected with Autosomal recessive limb-girdle muscular dystrophy type R18 and no experimental evidence demonstrating its impact on protein function have been reported. No submitters have cited clinical-significance assessments for this variant to ClinVar. Based on the evidence outlined above, the variant was classified as pathogenic.